The following is an entry in ClinVar:

ClinVar aggregate classification (germline): Conflicting classifications of pathogenicity. Review status: criteria provided, conflicting classifications (1 of 4 stars). 5 submissions from 5 submitters: Uncertain significance (1); Likely benign (4). Last evaluated 2025-04-21.

Conditions:
Hereditary spastic paraplegia. Also called: Familial spastic paraparesis. Identifiers: Orphanet 685, MedGen C0037773, MONDO:0019064. Disease mechanism: loss of function.
Hereditary spastic paraplegia 39 (SPG39). Also called: Spastic Paraplegia Type 39 (SPG39); SPASTIC PARAPLEGIA 39, AUTOSOMAL RECESSIVE. Identifiers: Orphanet 139480, MedGen C2677586, MONDO:0012787, OMIM 612020.

Allele frequency attached by ClinVar (database versions not stated): gnomAD 0.00007; TOPMed 0.00010; ExAC 0.00021.
gnomAD v4.1: 114 of 1,595,376 alleles (0.0071%); highest among the groups gnomAD compares: Admixed American, 0.026%; no homozygotes.

Submissions (5):

Labcorp Genetics (formerly Invitae), Labcorp
Classification: Likely benign for Hereditary spastic paraplegia 39. Last evaluated: 2025-04-21. Review status: criteria provided, single submitter. Criteria: Invitae Variant Classification Sherloc (09022015). Collection method: clinical testing. Allele origin: germline.

Mayo Clinic Laboratories, Mayo Clinic
Classification: Likely benign. Last evaluated: 2024-11-12. Review status: criteria provided, single submitter. Criteria: ACMG Guidelines, 2015. Collection method: clinical testing. Allele origin: germline. Observed: 1 variant allele.
Comment: BP4, BP7

Blueprint Genetics
Classification: Likely benign. Last evaluated: 2024-02-05. Review status: criteria provided, single submitter. Criteria: ACMG Guidelines, 2015. Collection method: clinical testing. Allele origin: germline.

CeGaT Center for Human Genetics Tuebingen
Classification: Likely benign. Last evaluated: 2023-01-01. Review status: criteria provided, single submitter. Criteria: CeGaT Center For Human Genetics Tuebingen Variant Classification Criteria Version 2. Collection method: clinical testing. Allele origin: germline. Affected: yes. Observed: 1 variant allele.
Comment: PNPLA6: BP4, BP7

Genome Diagnostics Laboratory, The Hospital for Sick Children
Classification: Uncertain significance for Hereditary spastic paraplegia. Last evaluated: 2018-08-01. Review status: criteria provided, single submitter. Criteria: ACMG Guidelines, 2015. Collection method: clinical testing. Allele origin: germline. Affected: yes.

NM_001166114.2(PNPLA6):c.492C>T (p.Thr164=)

Gene: PNPLA6 (patatin like domain 6, lysophospholipase; plus strand). Cytogenetic location: 19p13.2.
Variant type: single nucleotide variant.
Coding change: c.492C>T on transcript NM_001166114.2 (MANE Select); coding-DNA position 492, C replaced by T.
Protein change: p.Thr164=; no amino-acid change (threonine 164 retained).
Molecular consequence: synonymous variant.
Genome position (GRCh38, 1-based): chr19:7,539,996, C>T. VCF-style: chr19-7539996-C-T. GRCh37 (hg19) VCF-style: chr19-7604882-C-T.
Other names: p.Thr125=; c.519C>T, p.Thr173= (NM_001166111.2); c.375C>T, p.Thr125= (NM_001166112.2, NM_001166113.1, NM_006702.5).
Identifiers: ClinVar variation 469621 (VCV000469621.38), dbSNP rs778359563, ClinGen allele CA9139475.